The following is an entry in ClinVar:

ClinVar aggregate classification (germline): Likely pathogenic (1 of 4 stars; one submission).

Submission:

Dasa
Classification: Likely pathogenic. Last evaluated: 2026-03-12. Review status: criteria provided, single submitter. Criteria: DASA Assertion Criteria. Collection method: clinical testing. Allele origin: germline.
Comment: NM_017799.4(TMEM260):c.1693dup (p.Ser565Lysfs*4) is a frameshift variant in TMEM260 predicted to alter the reading frame and introduce a premature termination codon and is predicted to result in an absent or altered protein product. Loss of function is an established disease mechanism for TMEM260-associated disorders. Also, this variant is rare in population databases. Based on the currently available evidence, this variant is classified as likely pathogenic.

NM_017799.4(TMEM260):c.1693dup (p.Ser565fs)

Gene: TMEM260 (transmembrane protein 260; plus strand). Cytogenetic location: 14q22.3.
Variant type: Duplication.
Coding change: c.1693dup on transcript NM_017799.4 (MANE Select); coding-DNA position 1693, one base duplicated (A; older notation c.1693dupA).
Protein change: p.Ser565fs; shifts the reading frame from serine 565.
Molecular consequence: frameshift variant.
Genome position (GRCh38, 1-based): chr14:56,633,140, A duplicated; the last of 5 consecutive A bases (chr14:56,633,136-56,633,140); duplicating any one gives the same sequence. VCF-style (leftmost placement, unchanged base first): chr14-56633135-C-CA. GRCh37 (hg19) VCF-style: chr14-57099853-C-CA.
Other names: short protein forms S565fs.
Identifiers: ClinVar variation 4880605 (VCV004880605.2), dbSNP rs1566568405.
Genomic context (GRCh38, chr14:56,633,135, plus strand): 5'-CTTGTGACAAATTAGTTCCTTTGGAGATTGTATTCAACCCTGAGGAATGGATTAAACTTA[C>CA]AAAAAGTATCTATAACTGGACCGAAGAATATGGAAGGTATGAACAGCAGTTGTATTTTGA-3'